The following is an entry in ClinVar:

NM_000321.3(RB1):c.757C>A (p.Pro253Thr)

Gene: RB1 (RB transcriptional corepressor 1; plus strand). Cytogenetic location: 13q14.2.
Variant type: single nucleotide variant.
Coding change: c.757C>A on transcript NM_000321.3 (MANE Select); coding-DNA position 757, C replaced by A.
Protein change: p.Pro253Thr; replaces proline 253 with threonine.
Molecular consequence: missense variant.
Genome position (GRCh38, 1-based): chr13:48,362,853, C>A. VCF-style: chr13-48362853-C-A. GRCh37 (hg19) VCF-style: chr13-48936989-C-A.
Other names: short protein forms P253T.
Identifiers: ClinVar variation 935402 (VCV000935402.9), dbSNP rs1952655473, ClinGen allele CA388159336.

ClinVar aggregate classification (germline): Uncertain significance (1 of 4 stars; one submission).

Conditions:
Retinoblastoma (RB1). Also called: RETINOBLASTOMA, SOMATIC. Identifiers: Orphanet 790, MedGen C0035335, MeSH D012175, MONDO:0008380, OMIM 180200, HP:0009919. Disease mechanism: loss of function. Inheritance: Both sporadic and heritable forms are tested..

Submission:

Labcorp Genetics (formerly Invitae), Labcorp
Classification: Uncertain significance for Retinoblastoma. Last evaluated: 2021-07-22. Review status: criteria provided, single submitter. Criteria: Invitae Variant Classification Sherloc (09022015). Collection method: clinical testing. Allele origin: germline.
Comment: In summary, the available evidence is currently insufficient to determine the role of this variant in disease. Therefore, it has been classified as a Variant of Uncertain Significance. This variant has not been reported in the literature in individuals with RB1-related conditions. Algorithms developed to predict the effect of missense changes on protein structure and function are either unavailable or do not agree on the potential impact of this missense change (SIFT: "Tolerated"; PolyPhen-2: "Benign"; Align-GVGD: "Class C0"). This sequence change replaces proline with threonine at codon 253 of the RB1 protein (p.Pro253Thr). The proline residue is highly conserved and there is a small physicochemical difference between proline and threonine. This variant is not present in population databases (ExAC no frequency).